The following is an entry in ClinVar:

ClinVar aggregate classification (germline): Likely benign (0 of 4 stars; one submission).

Conditions:
LEPR-related disorder. Also called: LEPR-related condition; LEPR-related disorders.

Submission:

PreventionGenetics, part of Exact Sciences
Classification: Likely benign for LEPR-related condition. Last evaluated: 2024-09-19. Review status: no assertion criteria provided. Collection method: clinical testing. Allele origin: germline.
Comment: This variant is classified as likely benign based on ACMG/AMP sequence variant interpretation guidelines (Richards et al. 2015 PMID: 25741868, with internal and published modifications).

NM_002303.6(LEPR):c.861T>C (p.Ile287=)

Gene: LEPR (leptin receptor; plus strand). Cytogenetic location: 1p31.3.
Variant type: single nucleotide variant.
Coding change: c.861T>C on transcript NM_002303.6 (MANE Select); coding-DNA position 861, T replaced by C.
Protein change: p.Ile287=; no amino-acid change (isoleucine 287 retained).
Molecular consequence: synonymous variant.
Genome position (GRCh38, 1-based): chr1:65,598,671, T>C. VCF-style: chr1-65598671-T-C. GRCh37 (hg19) VCF-style: chr1-66064354-T-C.
Other names: c.861T>C, p.Ile287= (NM_001003679.3, NM_001003680.3, NM_001198687.2 and 2 more transcripts).
Identifiers: ClinVar variation 3351929 (VCV003351929.1).
Genomic context (GRCh38, chr1:65,598,671, plus strand): 5'-GGTTCCACATCAACTTGATGTTCTGATGTTTTAATATAATATTTAACAGGCTGACAAGAT[T>C]GTCTCAGCTACATCCCTGCTAGTAGACAGTATACTTCCTGGGTCTTCGTATGAGGTTCAG-3'
Protein context (NP_002294.2, residues 277-297): STTVIREADK[Ile287=]VSATSLLVDS